The following is an entry in ClinVar:

NM_000059.4(BRCA2):c.8279dup (p.Ser2761fs)

Gene: BRCA2 (BRCA2 DNA repair associated; plus strand). Cytogenetic location: 13q13.1.
Variant type: Duplication.
Coding change: c.8279dup on transcript NM_000059.4 (MANE Select); coding-DNA position 8279, one base duplicated (G; older notation c.8279dupG).
Protein change: p.Ser2761fs; shifts the reading frame from serine 2761.
Molecular consequence: frameshift variant.
Genome position (GRCh38, 1-based): chr13:32,363,481, G duplicated; the last of 3 consecutive G bases (chr13:32,363,479-32,363,481); duplicating any one gives the same sequence. VCF-style (leftmost placement, unchanged base first): chr13-32363478-T-TG. GRCh37 (hg19) VCF-style: chr13-32937615-T-TG.
Other names: c.8183dup, p.Ser2729Leufs (NM_001406719.1); c.8279dup, p.Ser2761Leufs (NM_001406720.1); c.3347dup, p.Ser1117Leufs (NM_001406721.1); c.1862dup, p.Ser622Leufs (NM_001406722.1); short protein forms S2761fs.
Identifiers: ClinVar variation 2014976 (VCV002014976.4), dbSNP rs2548546933, ClinGen allele CA2580087507.

ClinVar aggregate classification (germline): Pathogenic (1 of 4 stars; one submission).

Conditions:
Hereditary breast ovarian cancer syndrome. Also called: Hereditary breast and/or ovarian cancer syndrome; Hereditary breast and ovarian cancer syndrome; BRCA1- and BRCA2-Associated Hereditary Breast and Ovarian Cancer; Breast and ovarian cancer; Hereditary breast and ovarian cancer; Hereditary breast and ovarian cancer syndrome (HBOC). Identifiers: Orphanet 145, MedGen C0677776, MeSH D061325, MONDO:0003582. Disease mechanism: loss of function.

Submission:

Labcorp Genetics (formerly Invitae), Labcorp
Classification: Pathogenic for Hereditary breast ovarian cancer syndrome. Last evaluated: 2022-07-08. Review status: criteria provided, single submitter. Criteria: Invitae Variant Classification Sherloc (09022015). Collection method: clinical testing. Allele origin: germline.
Comment: This sequence change creates a premature translational stop signal (p.Ser2761Leufs*3) in the BRCA2 gene. It is expected to result in an absent or disrupted protein product. Loss-of-function variants in BRCA2 are known to be pathogenic (PMID: 20104584). This variant is not present in population databases (gnomAD no frequency). This variant has not been reported in the literature in individuals affected with BRCA2-related conditions. For these reasons, this variant has been classified as Pathogenic.

Literature cited by the submitters: PubMed 20104584.